The following is an entry in ClinVar:

ClinVar aggregate classification (germline): Likely benign. Review status: criteria provided, multiple submitters, no conflicts (2 of 4 stars). 2 submissions from 2 submitters: Likely benign (2). Last evaluated 2025-05-09.

Conditions:
RASopathy. Also called: Noonan spectrum disorder; rasopathies. Identifiers: Orphanet 536391, MedGen C5555857, MONDO:0021060.

Submissions (2):

Women's Health and Genetics/Laboratory Corporation of America, LabCorp
Classification: Likely benign. Last evaluated: 2025-05-09. Review status: criteria provided, single submitter. Criteria: LabCorp Variant Classification Summary - May 2015. Collection method: clinical testing. Allele origin: germline.
Comment: Variant summary: BRAF c.1161A>G alters a conserved nucleotide resulting in a synonymous change. Consensus agreement among computation tools predict no significant impact on normal splicing. However, these predictions have yet to be confirmed by functional studies. The variant was absent in 251322 control chromosomes. The available data on variant occurrences in the general population are insufficient to allow any conclusion about variant significance. To our knowledge, no occurrence of c.1161A>G in individuals affected with Cardiofaciocutaneous Syndrome and no experimental evidence demonstrating its impact on protein function have been reported. ClinVar contains an entry for this variant (Variation ID: 1657292). Based on the evidence outlined above, the variant was classified as likely benign.

Labcorp Genetics (formerly Invitae), Labcorp
Classification: Likely benign for RASopathy. Last evaluated: 2024-01-02. Review status: criteria provided, single submitter. Criteria: Invitae Variant Classification Sherloc (09022015). Collection method: clinical testing. Allele origin: germline.

NM_004333.6(BRAF):c.1161A>G (p.Gly387=)

Gene: BRAF (B-Raf proto-oncogene, serine/threonine kinase; minus strand). Cytogenetic location: 7q34.
Variant type: single nucleotide variant.
Coding change: c.1161A>G on transcript NM_004333.6 (MANE Select); coding-DNA position 1161, A replaced by G.
Protein change: p.Gly387=; no amino-acid change (glycine 387 retained).
Molecular consequence: synonymous variant. On other transcripts: intron variant (1).
Genome position (GRCh38, 1-based): chr7:140,787,564, T>C on the plus strand (A>G on the coding strand, the complement: BRAF is on the minus strand). VCF-style: chr7-140787564-T-C. GRCh37 (hg19) VCF-style: chr7-140487364-T-C.
Other names: c.1161A>G, p.Gly387= (NM_001354609.2, NM_001374244.1, NM_001374258.1 and 3 more transcripts); c.1170A>G, p.Gly390= (NM_001378467.1); c.1059A>G, p.Gly353= (NM_001378470.1); c.1005A>G, p.Gly335= (NM_001378472.1, NM_001378473.1); c.897A>G, p.Gly299= (NM_001378475.1); c.1141-4481A>G (NM_001378471.1).
Identifiers: ClinVar variation 1657292 (VCV001657292.9), dbSNP rs2129031568, ClinGen allele CA458116359.
Genomic context (GRCh38, chr7:140,787,564, plus strand): 5'-GCAGTTTCCTTGAGTTTTTAAAAAAACCTGAAATCACTACTTACCTCCATCACCACGAAA[T>C]CCTTGGTCTCTAATCAAGTCCTACAAATAAATAGTAATGTATATTTATTCCAAGCAAGCA-3'
Protein context (NP_004324.2, residues 377-397): VNIDDLIRDQ[Gly387=]FRGDGGSTTG